The following is an entry in ClinVar:

NM_001111.5(ADAR):c.292C>T (p.His98Tyr)

Gene: ADAR (adenosine deaminase RNA specific; minus strand). Cytogenetic location: 1q21.3.
Variant type: single nucleotide variant.
Coding change: c.292C>T on transcript NM_001111.5 (MANE Select); coding-DNA position 292, C replaced by T.
Protein change: p.His98Tyr; replaces histidine 98 with tyrosine.
Molecular consequence: missense variant. On other transcripts: 5 prime UTR variant (3), intron variant (3).
Genome position (GRCh38, 1-based): chr1:154,602,350, G>A on the plus strand (C>T on the coding strand, the complement: ADAR is on the minus strand). VCF-style: chr1-154602350-G-A. GRCh37 (hg19) VCF-style: chr1-154574826-G-A.
Other names: c.-594C>T (NM_001025107.3, NM_001193495.2, NM_001365048.1); c.319C>T, p.His107Tyr (NM_001365045.1); c.292C>T, p.His98Tyr (NM_015840.4, NM_015841.4); c.-493+35C>T (NM_001365046.1, NM_001365049.1, NM_001365047.1); short protein forms H98Y, H107Y.
Identifiers: ClinVar variation 2952577 (VCV002952577.3), dbSNP rs1193378261, ClinGen allele CA342604904.

ClinVar aggregate classification (germline): Uncertain significance (1 of 4 stars; one submission).

Conditions:
Symmetrical dyschromatosis of extremities (DSH). Also called: RETICULATE ACROPIGMENTATION OF DOHI; DYSCHROMATOSIS SYMMETRICA HEREDITARIA 1; SYMMETRIC DYSCHROMATOSIS OF THE EXTREMITIES; Dyschromatosis symmetrica hereditaria. Identifiers: Orphanet 41, MedGen C0406775, MONDO:0007483, OMIM 127400.
Aicardi-Goutieres syndrome 6 (AGS6). Identifiers: Orphanet 51, MedGen C3539013, MONDO:0014007, OMIM 615010.

Allele frequency attached by ClinVar (database versions not stated): gnomAD exomes below 0.00001; TOPMed below 0.00001; gnomAD 0.00001.
gnomAD v4.1: 2 of 1,608,206 alleles (0.00012%); highest among the groups gnomAD compares: Non-Finnish European, 0.00017%; no homozygotes.

Submission:

Labcorp Genetics (formerly Invitae), Labcorp
Classification: Uncertain significance for Aicardi-Goutieres syndrome 6; Symmetrical dyschromatosis of extremities. Last evaluated: 2024-07-24. Review status: criteria provided, single submitter. Criteria: Invitae Variant Classification Sherloc (09022015). Collection method: clinical testing. Allele origin: germline.
Comment: This sequence change replaces histidine, which is basic and polar, with tyrosine, which is neutral and polar, at codon 98 of the ADAR protein (p.His98Tyr). This variant is not present in population databases (gnomAD no frequency). This variant has not been reported in the literature in individuals affected with ADAR-related conditions. An algorithm developed to predict the effect of missense changes on protein structure and function (PolyPhen-2) suggests that this variant is likely to be tolerated. In summary, the available evidence is currently insufficient to determine the role of this variant in disease. Therefore, it has been classified as a Variant of Uncertain Significance.